The following is an entry in ClinVar:

NM_144687.4(NLRP12):c.3146C>T (p.Ala1049Val)

Gene: NLRP12 (NLR family pyrin domain containing 12; minus strand). Cytogenetic location: 19q13.42.
Variant type: single nucleotide variant.
Coding change: c.3146C>T on transcript NM_144687.4 (MANE Select); coding-DNA position 3146, C replaced by T.
Protein change: p.Ala1049Val; replaces alanine 1049 with valine.
Molecular consequence: missense variant.
Genome position (GRCh38, 1-based): chr19:53,794,089, G>A on the plus strand (C>T on the coding strand, the complement: NLRP12 is on the minus strand). VCF-style: chr19-53794089-G-A. GRCh37 (hg19) VCF-style: chr19-54297343-G-A.
Other names: c.3149C>T, p.Ala1050Val (NM_001277126.2); c.2975C>T, p.Ala992Val (NM_001277129.1); short protein forms A1050V, A1049V, A992V.
Identifiers: ClinVar variation 329999 (VCV000329999.18), dbSNP rs146786265, ClinGen allele CA9638750.

ClinVar aggregate classification (germline): Conflicting classifications of pathogenicity. Review status: criteria provided, conflicting classifications (1 of 4 stars). 5 submissions from 5 submitters: Uncertain significance (1); Benign (2); Likely benign (2). Last evaluated 2025-10-29.

Conditions:
Autoinflammatory syndrome. Identifiers: Orphanet 93665, MedGen C3890737, MONDO:0019751.
Familial cold autoinflammatory syndrome 2 (FCAS2). Identifiers: Orphanet 247868, MedGen C2673198, MONDO:0012724, OMIM 611762.

Allele frequency attached by ClinVar (database versions not stated): gnomAD 0.00016 and 0.00021; TOPMed 0.00025; ExAC 0.00030; gnomAD exomes 0.00033; 1000 Genomes Project 30x 0.00109; 1000 Genomes Project 0.00140.
gnomAD v4.1: 285 of 1,613,894 alleles (0.018%); highest among the groups gnomAD compares: East Asian, 0.59%; 1 homozygote.

Submissions (5):

Labcorp Genetics (formerly Invitae), Labcorp
Classification: Benign for Familial cold autoinflammatory syndrome 2. Last evaluated: 2025-10-29. Review status: criteria provided, single submitter. Criteria: Invitae Variant Classification Sherloc (09022015). Collection method: clinical testing. Allele origin: germline.

Blueprint Genetics
Classification: Likely benign. Last evaluated: 2024-11-07. Review status: criteria provided, single submitter. Criteria: ACMG Guidelines, 2015. Collection method: clinical testing. Allele origin: germline.

ARUP Laboratories, Molecular Genetics and Genomics, ARUP Laboratories
Classification: Likely benign for Familial cold autoinflammatory syndrome 2. Last evaluated: 2024-09-25. Review status: criteria provided, single submitter. Criteria: ARUP Molecular Germline Variant Investigation Process 2024. Collection method: clinical testing. Allele origin: germline.

Genome Diagnostics Laboratory, The Hospital for Sick Children
Classification: Uncertain significance for Autoinflammatory syndrome. Last evaluated: 2018-02-01. Review status: criteria provided, single submitter. Criteria: ACMG Guidelines, 2015. Collection method: clinical testing. Allele origin: germline. Affected: yes.

Illumina Laboratory Services, Illumina
Classification: Benign for Familial cold autoinflammatory syndrome 2. Last evaluated: 2018-01-13. Review status: criteria provided, single submitter. Criteria: ICSL Variant Classification Criteria 13 December 2019. Collection method: clinical testing. Allele origin: germline.
Comment: This variant was observed in the ICSL laboratory as part of a predisposition screen in an ostensibly healthy population. It had not been previously curated by ICSL or reported in the Human Gene Mutation Database (HGMD: prior to June 1st, 2018), and was therefore a candidate for classification through an automated scoring system. Utilizing variant allele frequency, disease prevalence and penetrance estimates, and inheritance mode, an automated score was calculated to assess if this variant is too frequent to cause the disease. Based on the score and internal cut-off values, a variant classified as benign is not then subjected to further curation. The score for this variant resulted in a classification of benign for this disease.